The following is an entry in ClinVar:

NM_001130987.2(DYSF):c.410dup (p.Thr138fs)

Gene: DYSF (dysferlin; plus strand). Cytogenetic location: 2p13.2.
Variant type: Duplication.
Coding change: c.410dup on transcript NM_001130987.2 (MANE Select); coding-DNA position 410, one base duplicated (C; older notation c.410dupC).
Protein change: p.Thr138fs; shifts the reading frame from threonine 138.
Molecular consequence: frameshift variant.
Genome position (GRCh38, 1-based): chr2:71,511,871, C duplicated; the last of 5 consecutive C bases (chr2:71,511,867-71,511,871); duplicating any one gives the same sequence. VCF-style (leftmost placement, unchanged base first): chr2-71511866-G-GC. GRCh37 (hg19) VCF-style: chr2-71738996-G-GC.
Other names: c.410dup, p.Thr138fs (NM_001130455.2, NM_001130982.2, NM_001130983.2 and 3 more transcripts); c.407dup, p.Thr137fs (NM_001130976.2, NM_001130977.2, NM_001130978.2 and 4 more transcripts); short protein forms T137fs, T138fs.
Identifiers: ClinVar variation 1456727 (VCV001456727.6), dbSNP rs886043342, ClinGen allele CA2573135841.
Genomic context (GRCh38, chr2:71,511,866, plus strand): 5'-GGCCTCGCTGGTCCTGCAGGTGTCCTACACACCGCTGCCTGGAGCTGTGCCCCTGTTCCC[G>GC]CCCCCTACTCCTCTGGAGCCCTCCCCGACTCTGCCTGACCTGGATGTAGTGGCAGGTGGG-3'

ClinVar aggregate classification (germline): Pathogenic (1 of 4 stars; one submission).

Conditions:
Neuromuscular disease caused by qualitative or quantitative defects of dysferlin. Also called: Qualitative or quantitative defects of dysferlin; Dysferlinopathy. Identifiers: Orphanet 207073, MedGen C2931687, MONDO:0016145.

Submission:

Labcorp Genetics (formerly Invitae), Labcorp
Classification: Pathogenic for Neuromuscular disease caused by qualitative or quantitative defects of dysferlin. Last evaluated: 2025-12-15. Review status: criteria provided, single submitter. Criteria: Invitae Variant Classification Sherloc (09022015). Collection method: clinical testing. Allele origin: germline.
Comment: This sequence change creates a premature translational stop signal (p.Thr137Tyrfs*11) in the DYSF gene. It is expected to result in an absent or disrupted protein product. Loss-of-function variants in DYSF are known to be pathogenic (PMID: 17698709, 20301480). This variant is not present in population databases (gnomAD no frequency). This variant has not been reported in the literature in individuals affected with DYSF-related conditions. ClinVar contains an entry for this variant (Variation ID: 1456727). For these reasons, this variant has been classified as Pathogenic.

Literature cited by the submitters: PubMed 17698709; PubMed 20301480.